The following is an entry in ClinVar:

ClinVar aggregate classification (germline): Uncertain significance. Review status: criteria provided, multiple submitters, no conflicts (2 of 4 stars). 2 submissions from 2 submitters: Uncertain significance (2). Last evaluated 2025-09-11.

Conditions:
Primary ciliary dyskinesia. Also called: Ciliary dyskinesia. Identifiers: Orphanet 244, MedGen C0008780, MONDO:0016575, HP:0012265.

Allele frequency attached by ClinVar (database versions not stated): gnomAD 0.00001 and 0.00002; TOPMed 0.00001; ExAC 0.00002.
gnomAD v4.1: 18 of 1,612,330 alleles (0.0011%); highest among the groups gnomAD compares: Non-Finnish European, 0.0015%; no homozygotes.

Submissions (2):

Ambry Genetics
Classification: Uncertain significance. Last evaluated: 2025-09-11. Review status: criteria provided, single submitter. Criteria: Ambry Variant Classification Scheme 2023. Collection method: clinical testing. Allele origin: germline.

Labcorp Genetics (formerly Invitae), Labcorp
Classification: Uncertain significance for Primary ciliary dyskinesia. Last evaluated: 2022-05-13. Review status: criteria provided, single submitter. Criteria: Invitae Variant Classification Sherloc (09022015). Collection method: clinical testing. Allele origin: germline.
Comment: This sequence change replaces glutamic acid, which is acidic and polar, with glycine, which is neutral and non-polar, at codon 40 of the DNAH8 protein (p.Glu40Gly). This variant is present in population databases (rs777064945, gnomAD 0.002%). This variant has not been reported in the literature in individuals affected with DNAH8-related conditions. Algorithms developed to predict the effect of missense changes on protein structure and function output the following: SIFT: "Tolerated"; PolyPhen-2: "Not Available"; Align-GVGD: "Class C0". The glycine amino acid residue is found in multiple mammalian species, which suggests that this missense change does not adversely affect protein function. In summary, the available evidence is currently insufficient to determine the role of this variant in disease. Therefore, it has been classified as a Variant of Uncertain Significance.

NM_001206927.2(DNAH8):c.119A>G (p.Glu40Gly)

Genes: DNAH8 (dynein axonemal heavy chain 8; plus strand), LOC126859667 (BRD4-independent group 4 enhancer GRCh37_chr6:38690326-38691525; plus strand). Cytogenetic location: 6p21.2.
Variant type: single nucleotide variant.
Coding change: c.119A>G on transcript NM_001206927.2 (MANE Select); coding-DNA position 119, A replaced by G.
Protein change: p.Glu40Gly; replaces glutamic acid 40 with glycine.
Molecular consequence: missense variant. On other transcripts: 5 prime UTR variant (1).
Genome position (GRCh38, 1-based): chr6:38,722,928, A>G. VCF-style: chr6-38722928-A-G. GRCh37 (hg19) VCF-style: chr6-38690704-A-G.
Other names: c.-448A>G (NM_001371.4); c.119A>G (NM_001206927.1); short protein forms E40G.
Identifiers: ClinVar variation 1424732 (VCV001424732.8), dbSNP rs777064945, ClinGen allele CA3787863.